The following is an entry in ClinVar:

NM_032638.5(GATA2):c.1393C>T (p.Leu465Phe)

Gene: GATA2 (GATA binding protein 2; minus strand). Cytogenetic location: 3q21.3.
Variant type: single nucleotide variant.
Coding change: c.1393C>T on transcript NM_032638.5 (MANE Select); coding-DNA position 1393, C replaced by T.
Protein change: p.Leu465Phe; replaces leucine 465 with phenylalanine.
Molecular consequence: missense variant.
Genome position (GRCh38, 1-based): chr3:128,481,069, G>A on the plus strand (C>T on the coding strand, the complement: GATA2 is on the minus strand). VCF-style: chr3-128481069-G-A. GRCh37 (hg19) VCF-style: chr3-128199912-G-A.
Other names: c.1393C>T, p.Leu465Phe (NM_001145661.2); c.1351C>T, p.Leu451Phe (NM_001145662.1); short protein forms L465F, L451F.
Identifiers: ClinVar variation 2926973 (VCV002926973.4), dbSNP rs2068620480, ClinGen allele CA354412528.

ClinVar aggregate classification (germline): Uncertain significance. Review status: criteria provided, multiple submitters, no conflicts (2 of 4 stars). 2 submissions from 2 submitters: Uncertain significance (2). Last evaluated 2025-08-22.

Conditions:
Deafness-lymphedema-leukemia syndrome. Also called: Lymphedema, primary, with myelodysplasia; Emberger syndrome. Identifiers: Orphanet 3226, MedGen C3279664, MONDO:0013540, OMIM 614038.
Monocytopenia with susceptibility to infections. Also called: MONOCYTOPENIA AND MYCOBACTERIAL INFECTION SYNDROME; MONOCYTOPENIA WITH SUSCEPTIBILITY TO MYCOBACTERIAL, FUNGAL, AND PAPILLOMAVIRUS INFECTIONS AND MYELODYSPLASIA; COMBINED IMMUNODEFICIENCY WITH SUSCEPTIBILITY TO MYCOBACTERIAL, VIRAL, AND FUNGAL INFECTIONS; Dendritic cell, monocyte, B lymphocyte, and natural killer lymphocyte deficiency; GATA2 DEFICIENCY; IMMUNODEFICIENCY 21. Identifiers: Orphanet 228423, MedGen C3280030, MONDO:0013607, OMIM 614172.
Inborn genetic diseases. Identifiers: MedGen C0950123, MeSH D030342.

Allele frequency attached by ClinVar (database versions not stated): gnomAD exomes 0.00001.
gnomAD v4.1: 3 of 1,604,942 alleles (0.00019%); highest among the groups gnomAD compares: East Asian, 0.0045%; no homozygotes.

Submissions (2):

Ambry Genetics
Classification: Uncertain significance for Inborn genetic diseases. Last evaluated: 2025-08-22. Review status: criteria provided, single submitter. Criteria: Ambry Variant Classification Scheme 2023. Collection method: clinical testing. Allele origin: germline.
Comment: The p.L465F variant (also known as c.1393C>T), located in coding exon 5 of the GATA2 gene, results from a C to T substitution at nucleotide position 1393. The leucine at codon 465 is replaced by phenylalanine, an amino acid with highly similar properties. This amino acid position is conserved. In addition, the in silico prediction for this alteration is inconclusive. Based on the available evidence, the clinical significance of this variant remains unclear.

Labcorp Genetics (formerly Invitae), Labcorp
Classification: Uncertain significance for Monocytopenia with susceptibility to infections; Deafness-lymphedema-leukemia syndrome. Last evaluated: 2023-03-18. Review status: criteria provided, single submitter. Criteria: Invitae Variant Classification Sherloc (09022015). Collection method: clinical testing. Allele origin: germline.
Comment: In summary, the available evidence is currently insufficient to determine the role of this variant in disease. Therefore, it has been classified as a Variant of Uncertain Significance. Advanced modeling of protein sequence and biophysical properties (such as structural, functional, and spatial information, amino acid conservation, physicochemical variation, residue mobility, and thermodynamic stability) has been performed at Invitae for this missense variant, however the output from this modeling did not meet the statistical confidence thresholds required to predict the impact of this variant on GATA2 protein function. This variant has not been reported in the literature in individuals affected with GATA2-related conditions. This variant is not present in population databases (gnomAD no frequency). This sequence change replaces leucine, which is neutral and non-polar, with phenylalanine, which is neutral and non-polar, at codon 465 of the GATA2 protein (p.Leu465Phe).